The following is an entry in ClinVar:

NM_004385.5(VCAN):c.9938C>T (p.Pro3313Leu)

Gene: VCAN (versican; plus strand). Cytogenetic location: 5q14.3.
Variant type: single nucleotide variant.
Coding change: c.9938C>T on transcript NM_004385.5 (MANE Select); coding-DNA position 9938, C replaced by T.
Protein change: p.Pro3313Leu; replaces proline 3313 with leucine.
Molecular consequence: missense variant.
Genome position (GRCh38, 1-based): chr5:83,580,037, C>T. VCF-style: chr5-83580037-C-T. GRCh37 (hg19) VCF-style: chr5-82875856-C-T.
Other names: c.1715C>T, p.Pro572Leu (NM_001126336.3); c.6977C>T, p.Pro2326Leu (NM_001164097.2); c.4676C>T, p.Pro1559Leu (NM_001164098.2); c.9938C>T (NM_004385.4); short protein forms P3313L, P572L, P1559L, P2326L.
Identifiers: ClinVar variation 1911910 (VCV001911910.7), dbSNP rs150867251, ClinGen allele CA3334130.

ClinVar aggregate classification (germline): Uncertain significance. Review status: criteria provided, multiple submitters, no conflicts (2 of 4 stars). 3 submissions from 3 submitters: Uncertain significance (3). Last evaluated 2025-06-22.

Conditions:
Inborn genetic diseases. Identifiers: MedGen C0950123, MeSH D030342.

Allele frequency attached by ClinVar (database versions not stated): gnomAD exomes below 0.00001; ExAC 0.00002; ESP Exome Variant Server 0.00008; gnomAD 0.00008.
gnomAD v4.1: 21 of 1,613,974 alleles (0.0013%); highest among the groups gnomAD compares: African/African-American, 0.021%; no homozygotes.

Submissions (3):

Labcorp Genetics (formerly Invitae), Labcorp
Classification: Uncertain significance. Last evaluated: 2025-06-22. Review status: criteria provided, single submitter. Criteria: Invitae Variant Classification Sherloc (09022015). Collection method: clinical testing. Allele origin: germline.
Comment: This sequence change replaces proline, which is neutral and non-polar, with leucine, which is neutral and non-polar, at codon 3313 of the VCAN protein (p.Pro3313Leu). This variant is present in population databases (rs150867251, gnomAD 0.03%). This variant has not been reported in the literature in individuals affected with VCAN-related conditions. ClinVar contains an entry for this variant (Variation ID: 1911910). An algorithm developed to predict the effect of missense changes on protein structure and function (PolyPhen-2) suggests that this variant is likely to be disruptive. In summary, the available evidence is currently insufficient to determine the role of this variant in disease. Therefore, it has been classified as a Variant of Uncertain Significance.

Ambry Genetics
Classification: Uncertain significance for Inborn genetic diseases. Last evaluated: 2025-01-09. Review status: criteria provided, single submitter. Criteria: Ambry Variant Classification Scheme 2023. Collection method: clinical testing. Allele origin: germline.

Blueprint Genetics
Classification: Uncertain significance. Last evaluated: 2024-07-10. Review status: criteria provided, single submitter. Criteria: ACMG Guidelines, 2015. Collection method: clinical testing. Allele origin: germline.